The following is an entry in ClinVar:

ClinVar aggregate classification (germline): Benign (1 of 4 stars; one submission).

Conditions:
Doyne honeycomb retinal dystrophy (DHRD). Also called: DOYNE HONEYCOMB DEGENERATION OF RETINA; MALATTIA LEVENTINESE; DRUSEN, RADIAL, AUTOSOMAL DOMINANT. Identifiers: Orphanet 75376, MedGen C1832174, MONDO:0007471, OMIM 126600.

Allele frequency attached by ClinVar (database versions not stated): gnomAD exomes below 0.00001; gnomAD 0.00026 and 0.00028; 1000 Genomes Project 0.00040; TOPMed 0.00052; 1000 Genomes Project 30x 0.00078.
gnomAD v4.1: 45 of 986,290 alleles (0.0046%); highest among the groups gnomAD compares: Admixed American, 0.21%; no homozygotes.

Submission:

Illumina Laboratory Services, Illumina
Classification: Benign for Doyne honeycomb retinal dystrophy. Last evaluated: 2018-01-13. Review status: criteria provided, single submitter. Criteria: ICSL Variant Classification Criteria 13 December 2019. Collection method: clinical testing. Allele origin: germline.
Comment: This variant was observed in the ICSL laboratory as part of a predisposition screen in an ostensibly healthy population. It had not been previously curated by ICSL or reported in the Human Gene Mutation Database (HGMD: prior to June 1st, 2018), and was therefore a candidate for classification through an automated scoring system. Utilizing variant allele frequency, disease prevalence and penetrance estimates, and inheritance mode, an automated score was calculated to assess if this variant is too frequent to cause the disease. Based on the score and internal cut-off values, a variant classified as benign is not then subjected to further curation. The score for this variant resulted in a classification of benign for this disease.

NM_001039348.3(EFEMP1):c.-105C>T

Gene: EFEMP1 (EGF-like fibulin extracellular matrix protein 1; minus strand). Cytogenetic location: 2p16.1.
Variant type: single nucleotide variant.
Coding change: c.-105C>T on transcript NM_001039348.3 (MANE Select); 105 bases upstream of the start codon, C replaced by T.
Molecular consequence: 5 prime UTR variant.
Genome position (GRCh38, 1-based): chr2:55,923,767, G>A on the plus strand (C>T on the coding strand, the complement: EFEMP1 is on the minus strand). VCF-style: chr2-55923767-G-A. GRCh37 (hg19) VCF-style: chr2-56150902-G-A.
Other names: c.-64C>T (NM_001039349.3).
Identifiers: ClinVar variation 336639 (VCV000336639.5), dbSNP rs558071999, ClinGen allele CA10615606.